The following is an entry in ClinVar:

ClinVar aggregate classification (germline): Uncertain significance (1 of 4 stars; one submission).

Conditions:
Hereditary cancer-predisposing syndrome. Also called: Hereditary Cancer Syndrome; Tumor predisposition; Hereditary neoplastic syndrome; Neoplastic Syndromes, Hereditary. Identifiers: Orphanet 140162, MedGen C0027672, MeSH D009386, MONDO:0015356.

Submission:

Ambry Genetics
Classification: Uncertain significance for Hereditary cancer-predisposing syndrome. Last evaluated: 2024-11-21. Review status: criteria provided, single submitter. Criteria: Ambry Variant Classification Scheme 2023. Collection method: clinical testing. Allele origin: germline.
Comment: The p.L402P variant (also known as c.1205T>C), located in coding exon 2 of the MET gene, results from a T to C substitution at nucleotide position 1205. The leucine at codon 402 is replaced by proline, an amino acid with similar properties. This amino acid position is conserved. In addition, this alteration is predicted to be tolerated by in silico analysis. Based on the available evidence, the clinical significance of this variant remains unclear.

NM_000245.4(MET):c.1205T>C (p.Leu402Pro)

Gene: MET (MET proto-oncogene, receptor tyrosine kinase; plus strand). Cytogenetic location: 7q31.2.
Variant type: single nucleotide variant.
Coding change: c.1205T>C on transcript NM_000245.4 (MANE Select); coding-DNA position 1205, T replaced by C.
Protein change: p.Leu402Pro; replaces leucine 402 with proline.
Molecular consequence: missense variant. On other transcripts: 5 prime UTR variant (1).
Genome position (GRCh38, 1-based): chr7:116,731,672, T>C. VCF-style: chr7-116731672-T-C. GRCh37 (hg19) VCF-style: chr7-116371726-T-C.
Other names: c.1205T>C, p.Leu402Pro (NM_001127500.3, NM_001324401.3); c.-86T>C (NM_001324402.2); short protein forms L402P.
Identifiers: ClinVar variation 3395093 (VCV003395093.1).